The following is an entry in ClinVar:

NM_000284.4(PDHA1):c.900-10C>A

Gene: PDHA1 (pyruvate dehydrogenase E1 subunit alpha 1; plus strand). Cytogenetic location: Xp22.12.
Variant type: single nucleotide variant.
Coding change: c.900-10C>A on transcript NM_000284.4 (MANE Select); 10 bases into the intron before coding-DNA position 900, C replaced by A.
Molecular consequence: intron variant.
Genome position (GRCh38, 1-based): chrX:19,358,906, C>A. VCF-style: chrX-19358906-C-A. GRCh37 (hg19) VCF-style: chrX-19377024-C-A.
Other names: c.1014-10C>A (NM_001173454.2); c.921-10C>A (NM_001173455.2); c.807-10C>A (NM_001173456.2).
Identifiers: ClinVar variation 388156 (VCV000388156.8), dbSNP rs370163447, ClinGen allele CA10363161.

ClinVar aggregate classification (germline): Likely benign. Review status: criteria provided, multiple submitters, no conflicts (2 of 4 stars). 2 submissions from 2 submitters: Likely benign (2). Last evaluated 2021-03-27.

Conditions:
Pyruvate dehydrogenase E1-alpha deficiency (PDHAD). Also called: ATAXIA, INTERMITTENT, WITH PYRUVATE DEHYDROGENASE DEFICIENCY; ATAXIA WITH LACTIC ACIDOSIS I; ATAXIA, INTERMITTENT, WITH ABNORMAL PYRUVATE METABOLISM; Ataxia, intermittent, with pyruvate dehydrogenase, or decarboxylase, deficiency. Identifiers: Orphanet 79243, MedGen C1839413, MONDO:0010717, OMIM 312170.

Allele frequency attached by ClinVar (database versions not stated): gnomAD exomes 0.00001; TOPMed 0.00001; ExAC 0.00002; ESP Exome Variant Server 0.00009.

Submissions (2):

Labcorp Genetics (formerly Invitae), Labcorp
Classification: Likely benign for Pyruvate dehydrogenase E1-alpha deficiency. Last evaluated: 2021-03-27. Review status: criteria provided, single submitter. Criteria: Invitae Variant Classification Sherloc (09022015). Collection method: clinical testing. Allele origin: germline.

GeneDx
Classification: Likely benign. Last evaluated: 2016-08-05. Review status: criteria provided, single submitter. Criteria: GeneDx Variant Classification (06012015). Collection method: clinical testing. Allele origin: germline. Affected: yes.
Comment: This variant is considered likely benign or benign based on one or more of the following criteria: it is a conservative change, it occurs at a poorly conserved position in the protein, it is predicted to be benign by multiple in silico algorithms, and/or has population frequency not consistent with disease.